The following is an entry in ClinVar:

NM_000352.6(ABCC8):c.4077G>A (p.Pro1359=)

Gene: ABCC8 (ATP binding cassette subfamily C member 8; minus strand). Cytogenetic location: 11p15.1.
Variant type: single nucleotide variant.
Coding change: c.4077G>A on transcript NM_000352.6 (MANE Select); coding-DNA position 4077, G replaced by A.
Protein change: p.Pro1359=; no amino-acid change (proline 1359 retained).
Molecular consequence: synonymous variant. On other transcripts: non-coding transcript variant (1).
Genome position (GRCh38, 1-based): chr11:17,396,958, C>T on the plus strand (G>A on the coding strand, the complement: ABCC8 is on the minus strand). VCF-style: chr11-17396958-C-T. GRCh37 (hg19) VCF-style: chr11-17418505-C-T.
Other names: c.4080G>A, p.Pro1360= (NM_001287174.3); c.4143G>A, p.Pro1381= (NM_001351295.2); c.4077G>A, p.Pro1359= (NM_001351296.2); c.4074G>A, p.Pro1358= (NM_001351297.2).
Identifiers: ClinVar variation 763411 (VCV000763411.16), dbSNP rs547430068, ClinGen allele CA5902589.
Genomic context (GRCh38, chr11:17,396,958, plus strand): 5'-TTGGGCCCGTGCTCTGACCTTCTGTCCAGGGGCGATGAGGGCATTGACGTGCTTCAGCAC[C>T]GGCTTCAGGGAGCTGTCGTAGCGCACGCTCAGGTTCTGGATCTGGATCTTCCCTTGGTCT-3'
Protein context (NP_000343.2, residues 1349-1369): LSVRYDSSLK[Pro1359=]VLKHVNALIA

ClinVar aggregate classification (germline): Conflicting classifications of pathogenicity. Review status: criteria provided, conflicting classifications (1 of 4 stars). 7 submissions from 4 submitters: Uncertain significance (4); Benign (1); Likely benign (2). Last evaluated 2025-12-20.

Conditions:
Transitory neonatal diabetes mellitus. Also called: Transient neonatal diabetes mellitus. Identifiers: MedGen C0342273, MONDO:0020525, HP:0008255.
Maturity-onset diabetes of the young (MODY). Also called: Maturity onset diabetes mellitus in young. Identifiers: Orphanet 552, MedGen C0342276, MONDO:0018911, HP:0004904.
Hyperinsulinemic hypoglycemia, familial, 1 (HHF1). Also called: NESIDIOBLASTOSIS OF PANCREAS; Persistent hyperinsulinemic hypoglycemia of infancy; HYPERINSULINISM, FAMILIAL, WITH PANCREATIC NESIDIOBLASTOSIS; HYPOGLYCEMIA, HYPERINSULINEMIC, OF INFANCY; Persistent Hyperinsulinemia Hypoglycemia of Infancy. Identifiers: Orphanet 276575, Orphanet 276598, MedGen C2931832, MONDO:0009734, OMIM 256450.
Diabetes mellitus, transient neonatal, 2 (TNDM2). Identifiers: Orphanet 99886, MedGen C1835887, MONDO:0012480, OMIM 610374. Disease mechanism: loss of function.
Permanent neonatal diabetes mellitus (PNDM). Identifiers: Orphanet 99885, MedGen C1833104, MONDO:0100164, MONDO:0011643. Disease mechanism: gain of function.

Allele frequency attached by ClinVar (database versions not stated): gnomAD 0.00001 and 0.00002; gnomAD exomes 0.00002 and 0.00003; ExAC 0.00004; TOPMed 0.00004.
gnomAD v4.1: 45 of 1,614,196 alleles (0.0028%); highest among the groups gnomAD compares: African/African-American, 0.013%; no homozygotes.

Submissions (7):

Labcorp Genetics (formerly Invitae), Labcorp
Classification: Likely benign. Last evaluated: 2025-12-20. Review status: criteria provided, single submitter. Criteria: Invitae Variant Classification Sherloc (09022015). Collection method: clinical testing. Allele origin: germline.

Blueprint Genetics
Classification: Likely benign. Last evaluated: 2023-12-07. Review status: criteria provided, single submitter. Criteria: ACMG Guidelines, 2015. Collection method: clinical testing. Allele origin: germline.

Illumina Laboratory Services, Illumina
Classification: Benign for Diabetes mellitus, transient neonatal, 2. Last evaluated: 2018-01-13. Review status: criteria provided, single submitter. Criteria: ICSL Variant Classification Criteria 13 December 2019. Collection method: clinical testing. Allele origin: germline.
Comment: This variant was observed in the ICSL laboratory as part of a predisposition screen in an ostensibly healthy population. It had not been previously curated by ICSL or reported in the Human Gene Mutation Database (HGMD: prior to June 1st, 2018), and was therefore a candidate for classification through an automated scoring system. Utilizing variant allele frequency, disease prevalence and penetrance estimates, and inheritance mode, an automated score was calculated to assess if this variant is too frequent to cause the disease. Based on the score and internal cut-off values, a variant classified as benign is not then subjected to further curation. The score for this variant resulted in a classification of benign for this disease.

Illumina Laboratory Services, Illumina
Classification: Uncertain significance for Permanent neonatal diabetes mellitus 1. Last evaluated: 2018-01-13. Review status: criteria provided, single submitter. Criteria: ICSL Variant Classification Criteria 13 December 2019. Collection method: clinical testing. Allele origin: germline.

Illumina Laboratory Services, Illumina
Classification: Uncertain significance for Hyperinsulinemic hypoglycemia, familial, 1. Last evaluated: 2018-01-13. Review status: criteria provided, single submitter. Criteria: ICSL Variant Classification Criteria 13 December 2019. Collection method: clinical testing. Allele origin: germline.

Clinical Genomics, Uppaluri K&H Personalized Medicine Clinic
Classification: Uncertain significance for Maturity-onset diabetes of the young. Review status: criteria provided, single submitter. Criteria: K & H Uppaluri Personalized Medicine Clinic Variant Classification & Assertion Criteria_Updated V.1. Collection method: research. Allele origin: somatic. Inheritance: Somatic mutation.
Comment: Mutations in ABCC8 gene are associated with both neonatal diabetes mellitus as well as MODY. Patients with this mutation may have a better response to sulfonylureas. However, no sufficient evidence is found to ascertain the role of this particular variant (rs547430068) in MODY yet.

Clinical Genomics, Uppaluri K&H Personalized Medicine Clinic
Classification: Uncertain significance for Transitory neonatal diabetes mellitus. Review status: criteria provided, single submitter. Criteria: K & H Uppaluri Personalized Medicine Clinic Variant Classification & Assertion Criteria_Updated V.1. Collection method: research. Allele origin: somatic. Inheritance: Somatic mutation.
Comment: Mutations in ABCC8 gene are associated with both neonatal diabetes mellitus as well as MODY. Patients with this mutation may have a better response to sulfonylureas. However, no sufficient evidence is found to ascertain the role of this particular variant (rs547430068) in neonatal diabetes yet.

Literature cited by the submitters: PubMed 16885549 (cited by Clinical Genomics, Uppaluri K&H Personalized Medicine Clinic); PubMed 21989597 (cited by Clinical Genomics, Uppaluri K&H Personalized Medicine Clinic); PubMed 27538677 (cited by Clinical Genomics, Uppaluri K&H Personalized Medicine Clinic); PubMed 18981553 (cited by Clinical Genomics, Uppaluri K&H Personalized Medicine Clinic); PubMed 32027066 (cited by Clinical Genomics, Uppaluri K&H Personalized Medicine Clinic); PubMed 16613899 (cited by Clinical Genomics, Uppaluri K&H Personalized Medicine Clinic); PubMed 18025408 (cited by Clinical Genomics, Uppaluri K&H Personalized Medicine Clinic); PubMed 32792356 (cited by Clinical Genomics, Uppaluri K&H Personalized Medicine Clinic).